The following is an entry in ClinVar:

ClinVar aggregate classification (germline): Uncertain significance. Review status: criteria provided, multiple submitters, no conflicts (2 of 4 stars). 8 submissions from 3 submitters: Uncertain significance (8). Last evaluated 2026-05-12.

Conditions:
TTN-related disorder. Also called: TTN-related condition; TTN-related disease; TTN-related disorders.
Hypertrophic cardiomyopathy 9. Also called: Familial hypertrophic cardiomyopathy 9. Identifiers: MedGen C1861065, MONDO:0013412, OMIM 613765.
Dilated cardiomyopathy 1G (CMD1G). Identifiers: Orphanet 154, MedGen C1858763, MONDO:0011400, OMIM 604145.
Tibial muscular dystrophy (TMD). Also called: UDD MYOPATHY; Tibial muscular dystrophy, tardive; Udd Distal Myopathy – Tibial Muscular Dystrophy. Identifiers: Orphanet 609, MedGen C1838244, MONDO:0010870, OMIM 600334.
Autosomal recessive limb-girdle muscular dystrophy type 2J (LGMDR10). Also called: Limb-girdle muscular dystrophy, type 2J; MUSCULAR DYSTROPHY, LIMB-GIRDLE, AUTOSOMAL RECESSIVE 10. Identifiers: Orphanet 140922, MedGen C1837342, MONDO:0012127, OMIM 608807.
Myopathy, myofibrillar, 9, with early respiratory failure (MFM9). Also called: MYOPATHY, PROXIMAL, WITH EARLY RESPIRATORY MUSCLE INVOLVEMENT; Hereditary myopathy with early respiratory failure; EDSTROM MYOPATHY; Myopathy, distal, with early respiratory failure, autosomal dominant. Identifiers: Orphanet 178464, Orphanet 34521, MedGen C1863599, MONDO:0011362, OMIM 603689.
Early-onset myopathy with fatal cardiomyopathy (CMYO5). Also called: Salih Myopathy; CONGENITAL MYOPATHY 5 WITH CARDIOMYOPATHY. Identifiers: Orphanet 289377, MedGen C2673677, MONDO:0012714, OMIM 611705. Disease mechanism: loss of function.

Allele frequency attached by ClinVar (database versions not stated): gnomAD exomes 0.00001; gnomAD 0.00003; TOPMed 0.00007.
gnomAD v4.1: 18 of 1,612,888 alleles (0.0011%); highest among the groups gnomAD compares: African/African-American, 0.017%; no homozygotes.

Submissions (8):

PreventionGenetics, part of Exact Sciences
Classification: Uncertain significance for TTN-related condition. Last evaluated: 2026-05-12. Review status: criteria provided, single submitter. Criteria: ACMG Guidelines, 2015. Collection method: clinical testing. Allele origin: germline.
Comment: The TTN c.33001G>A variant is predicted to result in the amino acid substitution p.Glu11001Lys. To our knowledge, this variant has not been reported in the literature. This variant is reported in 0.012% of alleles in individuals of African descent in gnomAD. At this time, the clinical significance of this variant is uncertain due to the absence of conclusive functional and genetic evidence.

GeneDx
Classification: Uncertain significance. Last evaluated: 2025-05-20. Review status: criteria provided, single submitter. Criteria: GeneDx Variant Classification Process June 2021. Collection method: clinical testing. Allele origin: germline. Affected: yes.
Comment: Not observed at significant frequency in large population cohorts (gnomAD); Missense variant in a gene in which most reported pathogenic variants are truncating/loss of function; Has not been previously published as pathogenic or benign to our knowledge

Baylor Genetics
Classification: Uncertain significance for Tibial muscular dystrophy. Last evaluated: 2022-10-16. Review status: criteria provided, single submitter. Criteria: ACMG Guidelines, 2015. Collection method: clinical testing. Allele origin: unknown.

Baylor Genetics
Classification: Uncertain significance for Myopathy, myofibrillar, 9, with early respiratory failure. Last evaluated: 2022-10-16. Review status: criteria provided, single submitter. Criteria: ACMG Guidelines, 2015. Collection method: clinical testing. Allele origin: unknown.

Baylor Genetics
Classification: Uncertain significance for Dilated cardiomyopathy 1G. Last evaluated: 2022-10-16. Review status: criteria provided, single submitter. Criteria: ACMG Guidelines, 2015. Collection method: clinical testing. Allele origin: unknown.

Baylor Genetics
Classification: Uncertain significance for Early-onset myopathy with fatal cardiomyopathy. Last evaluated: 2022-10-16. Review status: criteria provided, single submitter. Criteria: ACMG Guidelines, 2015. Collection method: clinical testing. Allele origin: unknown.

Baylor Genetics
Classification: Uncertain significance for Hypertrophic cardiomyopathy 9. Last evaluated: 2022-10-16. Review status: criteria provided, single submitter. Criteria: ACMG Guidelines, 2015. Collection method: clinical testing. Allele origin: unknown.

Baylor Genetics
Classification: Uncertain significance for Autosomal recessive limb-girdle muscular dystrophy type 2J. Last evaluated: 2022-10-16. Review status: criteria provided, single submitter. Criteria: ACMG Guidelines, 2015. Collection method: clinical testing. Allele origin: unknown.

NM_001267550.2(TTN):c.33001G>A (p.Glu11001Lys)

Gene: TTN (titin; minus strand). Cytogenetic location: 2q31.2.
Variant type: single nucleotide variant.
Coding change: c.33001G>A on transcript NM_001267550.2 (MANE Select); coding-DNA position 33001, G replaced by A.
Protein change: p.Glu11001Lys; replaces glutamic acid 11001 with lysine.
Molecular consequence: missense variant. On other transcripts: intron variant (3).
Genome position (GRCh38, 1-based): chr2:178,682,790, C>T on the plus strand (G>A on the coding strand, the complement: TTN is on the minus strand). VCF-style: chr2-178682790-C-T. GRCh37 (hg19) VCF-style: chr2-179547517-C-T.
Other names: c.32050G>A, p.Glu10684Lys (NM_001256850.1); c.29269G>A, p.Glu9757Lys (NM_133378.4); c.13283-40473G>A (NM_003319.4); c.13859-40473G>A (NM_133437.4); c.13658-40473G>A (NM_133432.3); short protein forms E10684K, E11001K, E9757K.
Identifiers: ClinVar variation 2441744 (VCV002441744.3), dbSNP rs879230710, ClinGen allele CA60984650.